The following is an entry in ClinVar:

NM_000057.4(BLM):c.4172G>C (p.Gly1391Ala)

Gene: BLM (BLM RecQ like helicase; plus strand). Cytogenetic location: 15q26.1.
Variant type: single nucleotide variant.
Coding change: c.4172G>C on transcript NM_000057.4 (MANE Select); coding-DNA position 4172, G replaced by C.
Protein change: p.Gly1391Ala; replaces glycine 1391 with alanine.
Molecular consequence: missense variant.
Genome position (GRCh38, 1-based): chr15:90,815,197, G>C. VCF-style: chr15-90815197-G-C. GRCh37 (hg19) VCF-style: chr15-91358427-G-C.
Other names: c.4172G>C, p.Gly1391Ala (NM_001287246.2); c.3779G>C, p.Gly1260Ala (NM_001287247.2); c.3047G>C, p.Gly1016Ala (NM_001287248.2); short protein forms G1016A, G1260A, G1391A.
Identifiers: ClinVar variation 1738428 (VCV001738428.4), dbSNP rs770278313, ClinGen allele CA7739209.

ClinVar aggregate classification (germline): Uncertain significance. Review status: criteria provided, multiple submitters, no conflicts (2 of 4 stars). 2 submissions from 2 submitters: Uncertain significance (2). Last evaluated 2025-06-23.

Conditions:
Hereditary cancer-predisposing syndrome. Also called: Hereditary Cancer Syndrome; Hereditary neoplastic syndrome; Neoplastic Syndromes, Hereditary; Tumor predisposition. Identifiers: Orphanet 140162, MedGen C0027672, MeSH D009386, MONDO:0015356.
Bloom syndrome (BLM). Also called: Bloom-Torre-Machacek syndrome. Identifiers: Orphanet 125, MedGen C0005859, MONDO:0008876, OMIM 210900.

Allele frequency attached by ClinVar (database versions not stated): gnomAD 0.00001; ExAC 0.00002.
gnomAD v4.1: 3 of 1,614,024 alleles (0.00019%); highest among the groups gnomAD compares: South Asian, 0.0011%; no homozygotes.

Submissions (2):

Labcorp Genetics (formerly Invitae), Labcorp
Classification: Uncertain significance for Bloom syndrome. Last evaluated: 2025-06-23. Review status: criteria provided, single submitter. Criteria: Invitae Variant Classification Sherloc (09022015). Collection method: clinical testing. Allele origin: germline.
Comment: This sequence change replaces glycine, which is neutral and non-polar, with alanine, which is neutral and non-polar, at codon 1391 of the BLM protein (p.Gly1391Ala). This variant is present in population databases (rs770278313, gnomAD 0.003%). This variant has not been reported in the literature in individuals affected with BLM-related conditions. ClinVar contains an entry for this variant (Variation ID: 1738428). An algorithm developed to predict the effect of missense changes on protein structure and function outputs the following: PolyPhen-2: "Benign". The alanine amino acid residue is found in multiple mammalian species, which suggests that this missense change does not adversely affect protein function. In summary, the available evidence is currently insufficient to determine the role of this variant in disease. Therefore, it has been classified as a Variant of Uncertain Significance.

Ambry Genetics
Classification: Uncertain significance for Hereditary cancer-predisposing syndrome. Last evaluated: 2025-02-02. Review status: criteria provided, single submitter. Criteria: Ambry Variant Classification Scheme 2023. Collection method: clinical testing. Allele origin: germline.
Comment: The p.G1391A variant (also known as c.4172G>C), located in coding exon 21 of the BLM gene, results from a G to C substitution at nucleotide position 4172. The glycine at codon 1391 is replaced by alanine, an amino acid with similar properties. This amino acid position is conserved. In addition, this alteration is predicted to be tolerated by in silico analysis. Since supporting evidence is limited at this time, the clinical significance of this alteration remains unclear.